The following is an entry in ClinVar:

NM_001358235.2(DCHS2):c.9557C>T (p.Thr3186Ile)

Genes: DCHS2 (dachsous cadherin-related 2; minus strand), DCHS2-AS1 (DCHS2 antisense RNA 1; plus strand). Cytogenetic location: 4q31.3.
Variant type: single nucleotide variant.
Coding change: c.9557C>T on transcript NM_001358235.2 (MANE Select); coding-DNA position 9557, C replaced by T.
Protein change: p.Thr3186Ile; replaces threonine 3186 with isoleucine.
Molecular consequence: missense variant.
Genome position (GRCh38, 1-based): chr4:154,235,095, G>A on the plus strand (C>T on the coding strand, the complement: DCHS2 is on the minus strand). VCF-style: chr4-154235095-G-A. GRCh37 (hg19) VCF-style: chr4-155156247-G-A.
Other names: short protein forms T3186I.
Identifiers: ClinVar variation 3049926 (VCV003049926.2), dbSNP rs61738813, ClinGen allele CA3111725.

ClinVar aggregate classification (germline): Benign (0 of 4 stars; one submission).

Conditions:
DCHS2-related disorder. Also called: DCHS2-related condition.

Allele frequency attached by ClinVar (database versions not stated): gnomAD exomes 0.00054; ExAC 0.00185; 1000 Genomes Project 30x 0.00562; gnomAD 0.00574; 1000 Genomes Project 0.00599; TOPMed 0.00655; ESP Exome Variant Server 0.00684.
gnomAD v4.1: 1,675 of 1,613,982 alleles (0.1%); highest among the groups gnomAD compares: African/African-American, 2%; 25 homozygotes.

Submission:

PreventionGenetics, part of Exact Sciences
Classification: Benign for DCHS2-related condition. Last evaluated: 2019-09-19. Review status: no assertion criteria provided. Collection method: clinical testing. Allele origin: germline.
Comment: This variant is classified as benign based on ACMG/AMP sequence variant interpretation guidelines (Richards et al. 2015 PMID: 25741868, with internal and published modifications).